The following is an entry in ClinVar:

NM_005529.7(HSPG2):c.10830+6T>G

Gene: HSPG2 (heparan sulfate proteoglycan 2; minus strand). Cytogenetic location: 1p36.12.
Variant type: single nucleotide variant.
Coding change: c.10830+6T>G on transcript NM_005529.7 (MANE Select); 6 bases into the intron after coding-DNA position 10830, T replaced by G.
Molecular consequence: intron variant.
Genome position (GRCh38, 1-based): chr1:21,833,810, A>C on the plus strand (T>G on the coding strand, the complement: HSPG2 is on the minus strand). VCF-style: chr1-21833810-A-C. GRCh37 (hg19) VCF-style: chr1-22160303-A-C.
Other names: c.10833+6T>G (NM_001291860.2).
Identifiers: ClinVar variation 2084409 (VCV002084409.4), dbSNP rs2550636975, ClinGen allele CA2580061482.

ClinVar aggregate classification (germline): Uncertain significance (1 of 4 stars; one submission).

Submission:

Labcorp Genetics (formerly Invitae), Labcorp
Classification: Uncertain significance. Last evaluated: 2026-01-12. Review status: criteria provided, single submitter. Criteria: Invitae Variant Classification Sherloc (09022015). Collection method: clinical testing. Allele origin: germline.
Comment: This sequence change falls in intron 78 of the HSPG2 gene. It does not directly change the encoded amino acid sequence of the HSPG2 protein. It affects a nucleotide within the consensus splice site. This variant is not present in population databases (gnomAD no frequency). This variant has not been reported in the literature in individuals affected with HSPG2-related conditions. ClinVar contains an entry for this variant (Variation ID: 2084409). Variants that disrupt the consensus splice site are a relatively common cause of aberrant splicing (PMID: 17576681, 9536098). Algorithms developed to predict the effect of sequence changes on RNA splicing suggest that this variant is not likely to affect RNA splicing. In summary, the available evidence is currently insufficient to determine the role of this variant in disease. Therefore, it has been classified as a Variant of Uncertain Significance.

Literature cited by the submitters: PubMed 17576681; PubMed 9536098.